The following is an entry in ClinVar:

ClinVar aggregate classification (germline): Likely benign (1 of 4 stars; one submission).

Submission:

Women's Health and Genetics/Laboratory Corporation of America, LabCorp
Classification: Likely benign. Last evaluated: 2024-06-24. Review status: criteria provided, single submitter. Criteria: LabCorp Variant Classification Summary - May 2015. Collection method: clinical testing. Allele origin: germline.
Comment: Variant summary: NEXMIF c.2271T>C alters a non-conserved nucleotide resulting in a synonymous change. Consensus agreement among computation tools predict no significant impact on normal splicing. However, these predictions have yet to be confirmed by functional studies. The frequency of this variant in the general population could not be determined as the technology used for large population databases (ExAC, gnomAD, ESP, 1000G) cannot detect variants of this type. The available data on variant occurrences in the general population are insufficient to allow any conclusion about variant significance. To our knowledge, no occurrence of c.2271T>C in individuals affected with Intellectual Developmental Disorder, X-Linked 98 and no experimental evidence demonstrating its impact on protein function have been reported. No submitters have cited clinical-significance assessments for this variant to ClinVar. Based on the evidence outlined above, the variant was classified as likely benign.

NM_001008537.3(NEXMIF):c.2271T>C (p.Ala757=)

Gene: NEXMIF (neurite extension and migration factor; minus strand). Cytogenetic location: Xq13.3.
Variant type: single nucleotide variant.
Coding change: c.2271T>C on transcript NM_001008537.3 (MANE Select); coding-DNA position 2271, T replaced by C.
Protein change: p.Ala757=; no amino-acid change (alanine 757 retained).
Molecular consequence: synonymous variant.
Genome position (GRCh38, 1-based): chrX:74,742,286, A>G on the plus strand (T>C on the coding strand, the complement: NEXMIF is on the minus strand). VCF-style: chrX-74742286-A-G. GRCh37 (hg19) VCF-style: chrX-73962121-A-G.
Identifiers: ClinVar variation 3339834 (VCV003339834.1).